The following is an entry in ClinVar:

ClinVar aggregate classification (germline): Conflicting classifications of pathogenicity. Review status: criteria provided, conflicting classifications (1 of 4 stars). 2 submissions from 2 submitters: Uncertain significance (1); Likely benign (1). Last evaluated 2025-09-29.

Allele frequency attached by ClinVar (database versions not stated): gnomAD exomes 0.00002 and 0.00001; gnomAD 0.00001.
gnomAD v4.1: 26 of 1,614,002 alleles (0.0016%); highest among the groups gnomAD compares: East Asian, 0.0045%; no homozygotes.

Submissions (2):

Dasa
Classification: Uncertain significance. Last evaluated: 2025-09-29. Review status: criteria provided, single submitter. Criteria: DASA Assertion Criteria. Collection method: clinical testing. Allele origin: germline.
Comment: NM_001005273.3(CHD3):c.5893G>A (p.Gly1965Ser) is a missense variant that results in the substitution of glycine with serine. The variant is present at low frequency in population datasets. Based on the available data, this variant is classified as variant of uncertain significance.

GeneDx
Classification: Likely benign. Last evaluated: 2019-12-18. Review status: criteria provided, single submitter. Criteria: GeneDx Variant Classification Process June 2021. Collection method: clinical testing. Allele origin: germline. Affected: yes.
Comment: In silico analysis, which includes protein predictors and evolutionary conservation, supports that this variant does not alter protein structure/function; Has not been previously published as pathogenic or benign to our knowledge

NM_001005273.3(CHD3):c.5893G>A (p.Gly1965Ser)

Gene: CHD3 (chromodomain helicase DNA binding protein 3; plus strand). Cytogenetic location: 17p13.1.
Variant type: single nucleotide variant.
Coding change: c.5893G>A on transcript NM_001005273.3 (MANE Select); coding-DNA position 5893, G replaced by A.
Protein change: p.Gly1965Ser; replaces glycine 1965 with serine.
Molecular consequence: missense variant.
Genome position (GRCh38, 1-based): chr17:7,911,475, G>A. VCF-style: chr17-7911475-G-A. GRCh37 (hg19) VCF-style: chr17-7814793-G-A.
Other names: c.6070G>A, p.Gly2024Ser (NM_001005271.3); c.5791G>A, p.Gly1931Ser (NM_005852.4); short protein forms G2024S, G1965S, G1931S.
Identifiers: ClinVar variation 451197 (VCV000451197.5), dbSNP rs1162303531, ClinGen allele CA397951783.